The following is an entry in ClinVar:

NC_000012.11:g.(?_48373772)_(48393928_?)del

Gene: COL2A1 (collagen type II alpha 1 chain; minus strand). Cytogenetic location: 12q13.11.
Variant type: Deletion.
Identifiers: ClinVar variation 3244374 (VCV003244374.1).

ClinVar aggregate classification (germline): Pathogenic (1 of 4 stars; one submission).

Submission:

Labcorp Genetics (formerly Invitae), Labcorp
Classification: Pathogenic. Last evaluated: 2023-05-11. Review status: criteria provided, single submitter. Criteria: Invitae Variant Classification Sherloc (09022015). Collection method: clinical testing. Allele origin: unknown.
Comment: For these reasons, this variant has been classified as Pathogenic. This variant has not been reported in the literature in individuals affected with COL2A1-related conditions. This variant is a gross deletion of the genomic region encompassing exon(s) 2-40 of the COL2A1 gene. This deletion is out-of-frame, and is expected to create a premature termination codon and result in an absent or disrupted protein product. Loss-of-function variants in COL2A1 are known to be pathogenic (PMID: 20179744).

Literature cited by the submitters: PubMed 20179744.